The following is an entry in ClinVar:

ClinVar aggregate classification (germline): Uncertain significance (1 of 4 stars; one submission).

Allele frequency attached by ClinVar (database versions not stated): gnomAD exomes below 0.00001.
gnomAD v4.1: 1 of 1,614,144 alleles (0.000062%); highest among the groups gnomAD compares: Non-Finnish European, 0.000085%; no homozygotes.

Submission:

Mayo Clinic Laboratories, Mayo Clinic
Classification: Uncertain significance. Last evaluated: 2023-01-17. Review status: criteria provided, single submitter. Criteria: ACMG Guidelines, 2015. Collection method: clinical testing. Allele origin: germline. Observed: 1 variant allele.
Comment: BP4, PM2

NM_016077.5(PTRH2):c.173T>C (p.Ile58Thr)

Gene: PTRH2 (peptidyl-tRNA hydrolase 2; minus strand). Cytogenetic location: 17q23.1.
Variant type: single nucleotide variant.
Coding change: c.173T>C on transcript NM_016077.5 (MANE Select); coding-DNA position 173, T replaced by C.
Protein change: p.Ile58Thr; replaces isoleucine 58 with threonine.
Molecular consequence: missense variant.
Genome position (GRCh38, 1-based): chr17:59,697,806, A>G on the plus strand (T>C on the coding strand, the complement: PTRH2 is on the minus strand). VCF-style: chr17-59697806-A-G. GRCh37 (hg19) VCF-style: chr17-57775167-A-G.
Other names: p.Ile58Thr; c.176T>C, p.Ile59Thr (NM_001015509.3); short protein forms I58T, I59T.
Identifiers: ClinVar variation 2683439 (VCV002683439.1), dbSNP rs2509178030, ClinGen allele CA400430175.